The following is an entry in ClinVar:

NM_014003.4(DHX38):c.2495A>G (p.Asn832Ser)

Gene: DHX38 (DEAH-box helicase 38; plus strand). Cytogenetic location: 16q22.2.
Variant type: single nucleotide variant.
Coding change: c.2495A>G on transcript NM_014003.4 (MANE Select); coding-DNA position 2495, A replaced by G.
Protein change: p.Asn832Ser; replaces asparagine 832 with serine.
Molecular consequence: missense variant.
Genome position (GRCh38, 1-based): chr16:72,106,012, A>G. VCF-style: chr16-72106012-A-G. GRCh37 (hg19) VCF-style: chr16-72139911-A-G.
Other names: c.2495A>G (NM_014003.3); short protein forms N832S.
Identifiers: ClinVar variation 1421449 (VCV001421449.7), dbSNP rs542087489, ClinGen allele CA8160686.

ClinVar aggregate classification (germline): Uncertain significance. Review status: criteria provided, multiple submitters, no conflicts (2 of 4 stars). 3 submissions from 3 submitters: Uncertain significance (3). Last evaluated 2025-11-06.

Allele frequency attached by ClinVar (database versions not stated): TOPMed 0.00001; gnomAD 0.00004; gnomAD exomes 0.00004 and 0.00006; ExAC 0.00008; 1000 Genomes Project 30x 0.00016; 1000 Genomes Project 0.00020.
gnomAD v4.1: 66 of 1,613,828 alleles (0.0041%); highest among the groups gnomAD compares: South Asian, 0.067%; 1 homozygote.

Submissions (3):

Ambry Genetics
Classification: Uncertain significance. Last evaluated: 2025-11-06. Review status: criteria provided, single submitter. Criteria: Ambry Variant Classification Scheme 2023. Collection method: clinical testing. Allele origin: germline.

Blueprint Genetics
Classification: Uncertain significance. Last evaluated: 2024-08-12. Review status: criteria provided, single submitter. Criteria: ACMG Guidelines, 2015. Collection method: clinical testing. Allele origin: germline.

Labcorp Genetics (formerly Invitae), Labcorp
Classification: Uncertain significance. Last evaluated: 2022-08-16. Review status: criteria provided, single submitter. Criteria: Invitae Variant Classification Sherloc (09022015). Collection method: clinical testing. Allele origin: germline.
Comment: This sequence change replaces asparagine, which is neutral and polar, with serine, which is neutral and polar, at codon 832 of the DHX38 protein (p.Asn832Ser). This variant is present in population databases (rs542087489, gnomAD 0.04%). This variant has not been reported in the literature in individuals affected with DHX38-related conditions. ClinVar contains an entry for this variant (Variation ID: 1421449). Algorithms developed to predict the effect of missense changes on protein structure and function are either unavailable or do not agree on the potential impact of this missense change (SIFT: "Tolerated"; PolyPhen-2: "Probably Damaging"; Align-GVGD: "Class C0"). Algorithms developed to predict the effect of sequence changes on RNA splicing suggest that this variant may create or strengthen a splice site. In summary, the available evidence is currently insufficient to determine the role of this variant in disease. Therefore, it has been classified as a Variant of Uncertain Significance.